The following is an entry in ClinVar:

ClinVar aggregate classification (germline): Uncertain significance (1 of 4 stars; one submission).

Conditions:
Hereditary cancer-predisposing syndrome. Also called: Tumor predisposition; Hereditary neoplastic syndrome; Hereditary Cancer Syndrome; Neoplastic Syndromes, Hereditary. Identifiers: Orphanet 140162, MedGen C0027672, MeSH D009386, MONDO:0015356.

Submission:

Ambry Genetics
Classification: Uncertain significance for Hereditary cancer-predisposing syndrome. Last evaluated: 2024-01-26. Review status: criteria provided, single submitter. Criteria: Ambry Variant Classification Scheme 2023. Collection method: clinical testing. Allele origin: germline.
Comment: The p.R796G variant (also known as c.2386C>G), located in coding exon 17 of the MSH3 gene, results from a C to G substitution at nucleotide position 2386. The arginine at codon 796 is replaced by glycine, an amino acid with dissimilar properties. This amino acid position is conserved. In addition, this alteration is predicted to be deleterious by in silico analysis. Based on the available evidence, the clinical significance of this alteration remains unclear.

NM_002439.5(MSH3):c.2386C>G (p.Arg796Gly)

Gene: MSH3 (mutS homolog 3; plus strand). Cytogenetic location: 5q14.1.
Variant type: single nucleotide variant.
Coding change: c.2386C>G on transcript NM_002439.5 (MANE Select); coding-DNA position 2386, C replaced by G.
Protein change: p.Arg796Gly; replaces arginine 796 with glycine.
Molecular consequence: missense variant.
Genome position (GRCh38, 1-based): chr5:80,778,787, C>G. VCF-style: chr5-80778787-C-G. GRCh37 (hg19) VCF-style: chr5-80074606-C-G.
Other names: short protein forms R796G.
Identifiers: ClinVar variation 3222264 (VCV003222264.1), dbSNP rs372431614, ClinGen allele CA360281839.